The following is an entry in ClinVar:

NM_058216.3(RAD51C):c.293G>T (p.Gly98Val)

Gene: RAD51C (RAD51 paralog C; plus strand). Cytogenetic location: 17q22.
Variant type: single nucleotide variant.
Coding change: c.293G>T on transcript NM_058216.3 (MANE Select); coding-DNA position 293, G replaced by T.
Protein change: p.Gly98Val; replaces glycine 98 with valine.
Molecular consequence: missense variant. On other transcripts: non-coding transcript variant (2).
Genome position (GRCh38, 1-based): chr17:58,695,078, G>T. VCF-style: chr17-58695078-G-T. GRCh37 (hg19) VCF-style: chr17-56772439-G-T.
Other names: c.293G>T, p.Gly98Val (NM_002876.4); short protein forms G98V.
Identifiers: ClinVar variation 538765 (VCV000538765.18), dbSNP rs1060502586, ClinGen allele CA400340934.
Genomic context (GRCh38, chr17:58,695,078, plus strand): 5'-CATCTGAGTCACACAAGAAGTGTACAGCACTGGAACTTCTTGAGCAGGAGCATACCCAGG[G>T]CTTCATAATCACCTTCTGTTCAGCACTAGATGATATTCTTGGGGGTGGAGTGCCCTTAAT-3'
Protein context (NP_478123.1, residues 88-108): LELLEQEHTQ[Gly98Val]FIITFCSALD

ClinVar aggregate classification (germline): Uncertain significance. Review status: criteria provided, multiple submitters, no conflicts (2 of 4 stars). 4 submissions from 4 submitters: Uncertain significance (4). Last evaluated 2025-10-15.

Conditions:
Breast-ovarian cancer, familial, susceptibility to, 3. Also called: RAD51C-Related Breast/Ovarian Cancer. Identifiers: Orphanet 145, MedGen C3150659, MONDO:0013253, OMIM 613399.
Hereditary cancer-predisposing syndrome. Also called: Neoplastic Syndromes, Hereditary; Tumor predisposition; Hereditary Cancer Syndrome; Hereditary neoplastic syndrome. Identifiers: Orphanet 140162, MedGen C0027672, MeSH D009386, MONDO:0015356.
Fanconi anemia complementation group O. Also called: RAD51C-Related Fanconi Anemia. Identifiers: Orphanet 84, MedGen C3150653, MONDO:0013248, OMIM 613390.

gnomAD v4.1: 1 of 1,614,058 alleles (0.000062%); highest among the groups gnomAD compares: Non-Finnish European, 0.000085%; no homozygotes.

Submissions (4):

Labcorp Genetics (formerly Invitae), Labcorp
Classification: Uncertain significance for Fanconi anemia complementation group O. Last evaluated: 2025-10-15. Review status: criteria provided, single submitter. Criteria: Invitae Variant Classification Sherloc (09022015). Collection method: clinical testing. Allele origin: germline.
Comment: This sequence change replaces glycine, which is neutral and non-polar, with valine, which is neutral and non-polar, at codon 98 of the RAD51C protein (p.Gly98Val). This variant is not present in population databases (gnomAD no frequency). This variant has not been reported in the literature in individuals affected with RAD51C-related conditions. ClinVar contains an entry for this variant (Variation ID: 538765). Invitae Evidence Modeling of protein sequence and biophysical properties (such as structural, functional, and spatial information, amino acid conservation, physicochemical variation, residue mobility, and thermodynamic stability) indicates that this missense variant is not expected to disrupt RAD51C protein function with a negative predictive value of 80%. Algorithms developed to predict the effect of sequence changes on RNA splicing suggest that this variant may create or strengthen a splice site. In summary, the available evidence is currently insufficient to determine the role of this variant in disease. Therefore, it has been classified as a Variant of Uncertain Significance.

Color Diagnostics, LLC DBA Color Health
Classification: Uncertain significance for Hereditary cancer-predisposing syndrome. Last evaluated: 2024-03-07. Review status: criteria provided, single submitter. Criteria: ACMG Guidelines, 2015. Collection method: clinical testing. Allele origin: germline.
Comment: This missense variant replaces glycine with valine at codon 98 of the RAD51C protein. Computational prediction tool suggests that this variant may not impact protein structure and function (internally defined REVEL score threshold <=0.5, PMID: 27666373). Splice site prediction tools suggest that this variant may not impact RNA splicing. To our knowledge, functional studies have not been performed for this variant. This variant has not been reported in individuals affected with hereditary cancer in the literature. This variant has not been identified in the general population by the Genome Aggregation Database (gnomAD). The available evidence is insufficient to determine the role of this variant in disease conclusively. Therefore, this variant is classified as a Variant of Uncertain Significance.

Baylor Genetics
Classification: Uncertain significance for Breast-ovarian cancer, familial, susceptibility to, 3. Last evaluated: 2023-06-05. Review status: criteria provided, single submitter. Criteria: ACMG Guidelines, 2015. Collection method: clinical testing. Allele origin: unknown.

Ambry Genetics
Classification: Uncertain significance for Hereditary cancer-predisposing syndrome. Last evaluated: 2023-04-20. Review status: criteria provided, single submitter. Criteria: Ambry Variant Classification Scheme 2023. Collection method: clinical testing. Allele origin: germline.
Comment: The p.G98V variant (also known as c.293G>T), located in coding exon 2 of the RAD51C gene, results from a G to T substitution at nucleotide position 293. The glycine at codon 98 is replaced by valine, an amino acid with dissimilar properties. This amino acid position is not well conserved in available vertebrate species. In addition, this alteration is predicted to be tolerated by in silico analysis. Since supporting evidence is limited at this time, the clinical significance of this alteration remains unclear.